The following is an entry in ClinVar:

ClinVar aggregate classification (germline): Likely benign. Review status: criteria provided, multiple submitters, no conflicts (2 of 4 stars). 2 submissions from 2 submitters: Likely benign (2). Last evaluated 2025-05-27.

Conditions:
Tuberous sclerosis 2 (TSC2). Identifiers: Orphanet 805, MedGen C1860707, MONDO:0013199, OMIM 613254.

gnomAD v4.1: 1 of 1,612,652 alleles (0.000062%); highest among the groups gnomAD compares: East Asian, 0.0022%; no homozygotes.

Submissions (2):

Myriad Genetics, Inc.
Classification: Likely benign for Tuberous sclerosis 2. Last evaluated: 2025-05-27. Review status: criteria provided, single submitter. Criteria: Myriad Autosomal Dominant, Autosomal Recessive and X-Linked Classification Criteria (2023). Collection method: clinical testing. Allele origin: unknown.
Comment: This variant is considered likely benign. This variant is intronic and is not expected to impact mRNA splicing.

Labcorp Genetics (formerly Invitae), Labcorp
Classification: Likely benign for Tuberous sclerosis 2. Last evaluated: 2024-07-01. Review status: criteria provided, single submitter. Criteria: Invitae Variant Classification Sherloc (09022015). Collection method: clinical testing. Allele origin: germline.

NM_000548.5(TSC2):c.2838-14T>C

Gene: TSC2 (TSC complex subunit 2; plus strand). Cytogenetic location: 16p13.3.
Variant type: single nucleotide variant.
Coding change: c.2838-14T>C on transcript NM_000548.5 (MANE Select); 14 bases into the intron before coding-DNA position 2838, T replaced by C.
Molecular consequence: intron variant.
Genome position (GRCh38, 1-based): chr16:2,077,584, T>C. VCF-style: chr16-2077584-T-C. GRCh37 (hg19) VCF-style: chr16-2127585-T-C.
Other names: c.2690+999T>C (NM_001406679.1, NM_001318829.2); c.2237+999T>C (NM_001406686.1, NM_001406685.1, NM_001318831.2 and 2 more transcripts); c.2870+999T>C (NM_001318832.2); c.2825+999T>C (NM_001406673.1, NM_001406671.1); c.2375+999T>C (NM_001406681.1); c.2727-14T>C (NM_001406670.1); c.2726+999T>C (NM_001318827.2, NM_001406678.1); c.2238-14T>C (NM_001406682.1, NM_001406684.1, NM_001406680.1 and 1 more transcripts); and 8 more.
Identifiers: ClinVar variation 3658401 (VCV003658401.3).